The following is an entry in ClinVar:

ClinVar aggregate classification (germline): Likely benign. Review status: criteria provided, single submitter (1 of 4 stars). 2 submissions from 2 submitters: Likely benign (1). 1 of the submissions does not count toward it. Last evaluated 2022-03-23.

Conditions:
COL9A1-related disorder. Also called: COL9A1-related disorders; COL9A1-related condition.

Allele frequency attached by ClinVar (database versions not stated): gnomAD exomes below 0.00001; TOPMed below 0.00001; gnomAD 0.00001; ExAC 0.00002.
gnomAD v4.1: 6 of 1,612,892 alleles (0.00037%); highest among the groups gnomAD compares: Non-Finnish European, 0.00051%; no homozygotes.

Submissions (2):

Labcorp Genetics (formerly Invitae), Labcorp
Classification: Likely benign. Last evaluated: 2022-03-23. Review status: criteria provided, single submitter. Criteria: Invitae Variant Classification Sherloc (09022015). Collection method: clinical testing. Allele origin: germline.

PreventionGenetics, part of Exact Sciences
Classification: Likely benign for COL9A1-related condition. Last evaluated: 2022-12-09. Review status: no assertion criteria provided. Collection method: clinical testing. Allele origin: germline. Not counted in ClinVar's aggregate classification.
Comment: This variant is classified as likely benign based on ACMG/AMP sequence variant interpretation guidelines (Richards et al. 2015 PMID: 25741868, with internal and published modifications).

NM_001851.6(COL9A1):c.1143+10A>C

Gene: COL9A1 (collagen type IX alpha 1 chain; minus strand). Cytogenetic location: 6q13.
Variant type: single nucleotide variant.
Coding change: c.1143+10A>C on transcript NM_001851.6 (MANE Select); 10 bases into the intron after coding-DNA position 1143, A replaced by C.
Molecular consequence: intron variant.
Genome position (GRCh38, 1-based): chr6:70,271,645, T>G on the plus strand (A>C on the coding strand, the complement: COL9A1 is on the minus strand). VCF-style: chr6-70271645-T-G. GRCh37 (hg19) VCF-style: chr6-70981348-T-G.
Other names: c.414+10A>C (NM_001377290.1, NM_078485.4, NM_001377289.1); c.1143+10A>C (NM_001851.4).
Identifiers: ClinVar variation 1976167 (VCV001976167.7), dbSNP rs759513238, ClinGen allele CA3882395.
Genomic context (GRCh38, chr6:70,271,645, plus strand): 5'-AATTTGCTTTCCCAAATAACATCTTCTATTAAATCAGCAAACGTCTATCAAAGTGCACTG[T>G]GGTACTCACAACAGGTCCTACACGGCCAAGCTCTCCAGGGAGTCCTGCTGTCCCAGGAGG-3'